The following is an entry in ClinVar:

ClinVar aggregate classification (germline): Uncertain significance (1 of 4 stars; one submission).

Conditions:
Gastrointestinal stromal tumor. Also called: Gastrointestinal stromal tumor, somatic; Gastrointestinal stroma tumor. Identifiers: Orphanet 44890, MedGen C0238198, MeSH D046152, MONDO:0011719, OMIM 606764, HP:0100723.

Allele frequency attached by ClinVar (database versions not stated): gnomAD exomes below 0.00001.
gnomAD v4.1: 1 of 1,613,772 alleles (0.000062%); highest among the groups gnomAD compares: South Asian, 0.0011%; no homozygotes.

Submission:

Labcorp Genetics (formerly Invitae), Labcorp
Classification: Uncertain significance for Gastrointestinal stromal tumor. Last evaluated: 2024-04-10. Review status: criteria provided, single submitter. Criteria: Invitae Variant Classification Sherloc (09022015). Collection method: clinical testing. Allele origin: germline.
Comment: This sequence change replaces glutamic acid, which is acidic and polar, with lysine, which is basic and polar, at codon 510 of the PDGFRA protein (p.Glu510Lys). This variant is not present in population databases (gnomAD no frequency). This variant has not been reported in the literature in individuals affected with PDGFRA-related conditions. Advanced modeling of protein sequence and biophysical properties (such as structural, functional, and spatial information, amino acid conservation, physicochemical variation, residue mobility, and thermodynamic stability) performed at Invitae indicates that this missense variant is not expected to disrupt PDGFRA protein function with a negative predictive value of 80%. In summary, the available evidence is currently insufficient to determine the role of this variant in disease. Therefore, it has been classified as a Variant of Uncertain Significance.

NM_006206.6(PDGFRA):c.1528G>A (p.Glu510Lys)

Gene: PDGFRA (platelet derived growth factor receptor alpha; plus strand). Cytogenetic location: 4q12.
Variant type: single nucleotide variant.
Coding change: c.1528G>A on transcript NM_006206.6 (MANE Select); coding-DNA position 1528, G replaced by A.
Protein change: p.Glu510Lys; replaces glutamic acid 510 with lysine.
Molecular consequence: missense variant.
Genome position (GRCh38, 1-based): chr4:54,273,700, G>A. VCF-style: chr4-54273700-G-A. GRCh37 (hg19) VCF-style: chr4-55139867-G-A.
Other names: c.1528G>A, p.Glu510Lys (NM_001347827.2, NM_001347829.2); c.1603G>A, p.Glu535Lys (NM_001347828.2); c.1567G>A, p.Glu523Lys (NM_001347830.2); short protein forms E510K, E535K, E523K.
Identifiers: ClinVar variation 2769374 (VCV002769374.3), dbSNP rs2110293117, ClinGen allele CA356892748.